The following is an entry in ClinVar:

ClinVar aggregate classification (germline): Conflicting classifications of pathogenicity. Review status: criteria provided, conflicting classifications (1 of 4 stars). 3 submissions from 3 submitters: Uncertain significance (2); Likely benign (1). Last evaluated 2025-11-27.

Conditions:
Inborn genetic diseases. Identifiers: MedGen C0950123, MeSH D030342.

Allele frequency attached by ClinVar (database versions not stated): gnomAD 0.00001; TOPMed 0.00001; ExAC 0.00006; 1000 Genomes Project 30x 0.00016; 1000 Genomes Project 0.00020.

Submissions (3):

Labcorp Genetics (formerly Invitae), Labcorp
Classification: Uncertain significance. Last evaluated: 2025-11-27. Review status: criteria provided, single submitter. Criteria: Invitae Variant Classification Sherloc (09022015). Collection method: clinical testing. Allele origin: germline.
Comment: This sequence change replaces arginine, which is basic and polar, with cysteine, which is neutral and slightly polar, at codon 215 of the CSF2RB protein (p.Arg215Cys). This variant is present in population databases (rs539880950, gnomAD 0.05%). This variant has not been reported in the literature in individuals affected with CSF2RB-related conditions. ClinVar contains an entry for this variant (Variation ID: 1982719). Invitae Evidence Modeling of protein sequence and biophysical properties (such as structural, functional, and spatial information, amino acid conservation, physicochemical variation, residue mobility, and thermodynamic stability) indicates that this missense variant is expected to disrupt CSF2RB protein function with a positive predictive value of 80%. In summary, the available evidence is currently insufficient to determine the role of this variant in disease. Therefore, it has been classified as a Variant of Uncertain Significance.

Ambry Genetics
Classification: Uncertain significance for Inborn genetic diseases. Last evaluated: 2024-12-13. Review status: criteria provided, single submitter. Criteria: Ambry Variant Classification Scheme 2023. Collection method: clinical testing. Allele origin: germline.

Blueprint Genetics
Classification: Likely benign. Last evaluated: 2024-05-23. Review status: criteria provided, single submitter. Criteria: ACMG Guidelines, 2015. Collection method: clinical testing. Allele origin: germline.

NM_000395.3(CSF2RB):c.643C>T (p.Arg215Cys)

Gene: CSF2RB (colony stimulating factor 2 receptor subunit beta; plus strand). Cytogenetic location: 22q12.3.
Variant type: single nucleotide variant.
Coding change: c.643C>T on transcript NM_000395.3 (MANE Select); coding-DNA position 643, C replaced by T.
Protein change: p.Arg215Cys; replaces arginine 215 with cysteine.
Molecular consequence: missense variant.
Genome position (GRCh38, 1-based): chr22:36,929,732, C>T. VCF-style: chr22-36929732-C-T. GRCh37 (hg19) VCF-style: chr22-37325774-C-T.
Other names: c.643C>T (NM_000395.2); c.643C>T, p.Arg215Cys (NM_001410827.1); short protein forms R215C.
Identifiers: ClinVar variation 1982719 (VCV001982719.6), dbSNP rs539880950, ClinGen allele CA10213535.